The following is an entry in ClinVar:

ClinVar aggregate classification (germline): Uncertain significance (1 of 4 stars; one submission).

Conditions:
Heterotopia, periventricular, X-linked dominant (PVNH1). Also called: PERIVENTRICULAR NODULAR HETEROTOPIA 1; X-linked periventricular heterotopia; PERIVENTRICULAR NODULAR HETEROTOPIA 4; HETEROTOPIA, PERIVENTRICULAR, 1. Identifiers: Orphanet 2149, Orphanet 82004, MedGen C1848213, MONDO:0010233, OMIM 300049.
Melnick-Needles syndrome (MNS). Also called: MELNICK-NEEDLES OSTEODYSPLASTY; OSTEODYSPLASTY OF MELNICK AND NEEDLES; Melnick-Needles Syndrome (FLNA-MNS). Identifiers: Orphanet 2484, MedGen C0025237, MONDO:0010650, OMIM 309350.
Frontometaphyseal dysplasia (FMD1). Identifiers: Orphanet 1826, MedGen C0265293, MONDO:0015942.
Oto-palato-digital syndrome, type II (OPD2). Also called: FACIOPALATOOSSEOUS SYNDROME; OPD II SYNDROME; Otopalatodigital Syndrome Type 2 (FLNA-OPD2); Otopalatodigital Syndrome, Type II. Identifiers: Orphanet 669, Orphanet 90652, MedGen C1844696, MONDO:0010571, OMIM 304120.

Submission:

Labcorp Genetics (formerly Invitae), Labcorp
Classification: Uncertain significance for Oto-palato-digital syndrome, type II; Heterotopia, periventricular, X-linked dominant; Frontometaphyseal dysplasia; Melnick-Needles syndrome. Last evaluated: 2025-11-03. Review status: criteria provided, single submitter. Criteria: Invitae Variant Classification Sherloc (09022015). Collection method: clinical testing. Allele origin: germline.
Comment: This sequence change replaces aspartic acid, which is acidic and polar, with asparagine, which is neutral and polar, at codon 1909 of the FLNA protein (p.Asp1909Asn). This variant is not present in population databases (gnomAD no frequency). This variant has not been reported in the literature in individuals affected with FLNA-related conditions. Invitae Evidence Modeling of protein sequence and biophysical properties (such as structural, functional, and spatial information, amino acid conservation, physicochemical variation, residue mobility, and thermodynamic stability) indicates that this missense variant is not expected to disrupt FLNA protein function with a negative predictive value of 95%. In summary, the available evidence is currently insufficient to determine the role of this variant in disease. Therefore, it has been classified as a Variant of Uncertain Significance.

NM_001110556.2(FLNA):c.5749G>A (p.Asp1917Asn)

Gene: FLNA (filamin A; minus strand). Cytogenetic location: Xq28.
Variant type: single nucleotide variant.
Coding change: c.5749G>A on transcript NM_001110556.2 (MANE Select); coding-DNA position 5749, G replaced by A.
Protein change: p.Asp1917Asn; replaces aspartic acid 1917 with asparagine.
Molecular consequence: missense variant.
Genome position (GRCh38, 1-based): chrX:154,353,665, C>T on the plus strand (G>A on the coding strand, the complement: FLNA is on the minus strand). VCF-style: chrX-154353665-C-T. GRCh37 (hg19) VCF-style: chrX-153582033-C-T.
Other names: c.5725G>A, p.Asp1909Asn (NM_001456.4); short protein forms D1917N, D1909N.
Identifiers: ClinVar variation 4792890 (VCV004792890.1).